The following is an entry in ClinVar:

ClinVar aggregate classification (germline): Uncertain significance. Review status: criteria provided, multiple submitters, no conflicts (2 of 4 stars). 2 submissions from 2 submitters: Uncertain significance (2). Last evaluated 2023-09-29.

gnomAD v4.1: 2 of 1,614,118 alleles (0.00012%); highest among the groups gnomAD compares: Non-Finnish European, 0.00017%; no homozygotes.

Submissions (2):

GeneDx
Classification: Uncertain significance. Last evaluated: 2023-09-29. Review status: criteria provided, single submitter. Criteria: GeneDx Variant Classification Process June 2021. Collection method: clinical testing. Allele origin: germline. Affected: yes.
Comment: Not observed at significant frequency in large population cohorts (gnomAD); In silico analysis supports that this missense variant has a deleterious effect on protein structure/function; Has not been previously published as pathogenic or benign in association with MYH9-related disorder to our knowledge; This variant is associated with the following publications: (PMID: 33004838)

Blueprint Genetics
Classification: Uncertain significance. Last evaluated: 2023-06-27. Review status: criteria provided, single submitter. Criteria: ACMG Guidelines, 2015. Collection method: clinical testing. Allele origin: germline.

NM_002473.6(MYH9):c.2194G>A (p.Gly732Ser)

Gene: MYH9 (myosin heavy chain 9; minus strand). Cytogenetic location: 22q12.3.
Variant type: single nucleotide variant.
Coding change: c.2194G>A on transcript NM_002473.6 (MANE Select); coding-DNA position 2194, G replaced by A.
Protein change: p.Gly732Ser; replaces glycine 732 with serine.
Molecular consequence: missense variant.
Genome position (GRCh38, 1-based): chr22:36,305,068, C>T on the plus strand (G>A on the coding strand, the complement: MYH9 is on the minus strand). VCF-style: chr22-36305068-C-T. GRCh37 (hg19) VCF-style: chr22-36701114-C-T.
Other names: short protein forms G732S.
Identifiers: ClinVar variation 3343952 (VCV003343952.2).